The following is an entry in ClinVar:

ClinVar aggregate classification (germline): Uncertain significance (1 of 4 stars; one submission).

Submission:

GeneDx
Classification: Uncertain significance. Last evaluated: 2024-01-19. Review status: criteria provided, single submitter. Criteria: GeneDx Variant Classification Process June 2021. Collection method: clinical testing. Allele origin: germline. Affected: yes.
Comment: Not observed at significant frequency in large population cohorts (gnomAD); In silico analysis supports that this missense variant does not alter protein structure/function; Has not been previously published as pathogenic or benign to our knowledge

NM_053025.4(MYLK):c.161G>T (p.Gly54Val)

Genes: MYLK (myosin light chain kinase; minus strand), LOC126806792 (CDK7 strongly-dependent group 2 enhancer GRCh37_chr3:123511339-123512538; plus strand). Cytogenetic location: 3q21.1.
Variant type: single nucleotide variant.
Coding change: c.161G>T on transcript NM_053025.4 (MANE Select); coding-DNA position 161, G replaced by T.
Protein change: p.Gly54Val; replaces glycine 54 with valine.
Molecular consequence: missense variant. On other transcripts: 5 prime UTR variant (1).
Genome position (GRCh38, 1-based): chr3:123,793,681, C>A on the plus strand (G>T on the coding strand, the complement: MYLK is on the minus strand). VCF-style: chr3-123793681-C-A. GRCh37 (hg19) VCF-style: chr3-123512528-C-A.
Other names: c.-160G>T (NM_001321309.2); c.161G>T, p.Gly54Val (NM_053026.4, NM_053027.4, NM_053028.4); short protein forms G54V.
Identifiers: ClinVar variation 3368034 (VCV003368034.1).